The following is an entry in ClinVar:

ClinVar aggregate classification (germline): Uncertain significance (1 of 4 stars; one submission).

Submission:

Labcorp Genetics (formerly Invitae), Labcorp
Classification: Uncertain significance. Last evaluated: 2025-02-26. Review status: criteria provided, single submitter. Criteria: Invitae Variant Classification Sherloc (09022015). Collection method: clinical testing. Allele origin: germline.
Comment: This sequence change replaces alanine, which is neutral and non-polar, with threonine, which is neutral and polar, at codon 896 of the INTU protein (p.Ala896Thr). This variant is not present in population databases (gnomAD no frequency). This variant has not been reported in the literature in individuals affected with INTU-related conditions. Invitae Evidence Modeling of protein sequence and biophysical properties (such as structural, functional, and spatial information, amino acid conservation, physicochemical variation, residue mobility, and thermodynamic stability) indicates that this missense variant is not expected to disrupt INTU protein function with a negative predictive value of 80%. In summary, the available evidence is currently insufficient to determine the role of this variant in disease. Therefore, it has been classified as a Variant of Uncertain Significance.

NM_015693.4(INTU):c.2686G>A (p.Ala896Thr)

Gene: INTU (inturned planar cell polarity protein; plus strand). Cytogenetic location: 4q28.1.
Variant type: single nucleotide variant.
Coding change: c.2686G>A on transcript NM_015693.4 (MANE Select); coding-DNA position 2686, G replaced by A.
Protein change: p.Ala896Thr; replaces alanine 896 with threonine.
Molecular consequence: missense variant.
Genome position (GRCh38, 1-based): chr4:127,714,062, G>A. VCF-style: chr4-127714062-G-A. GRCh37 (hg19) VCF-style: chr4-128635217-G-A.
Other names: short protein forms A896T.
Identifiers: ClinVar variation 4750530 (VCV004750530.1).